The following is an entry in ClinVar:

ClinVar aggregate classification (germline): Likely pathogenic (1 of 4 stars; one submission).

Conditions:
NPTN-related neurodevelopmental disorder.

Submission:

Institute of Human Genetics, University of Leipzig Medical Center
Classification: Likely pathogenic for NPTN-related neurodevelopmental disorder. Last evaluated: 2025-04-09. Review status: criteria provided, single submitter. Criteria: ACMG Guidelines, 2015. Collection method: research. Allele origin: de novo. Inheritance: Autosomal dominant inheritance. Affected: yes.
Comment: Criteria applied: PS2_MOD, PS3, PM2_SUP, PP3

NM_012428.4(NPTN):c.403T>A (p.Trp135Arg)

Gene: NPTN (neuroplastin; minus strand). Cytogenetic location: 15q24.1.
Variant type: single nucleotide variant.
Coding change: c.403T>A on transcript NM_012428.4 (MANE Select); coding-DNA position 403, T replaced by A.
Protein change: p.Trp135Arg; replaces tryptophan 135 with arginine.
Molecular consequence: missense variant. On other transcripts: intron variant (2).
Genome position (GRCh38, 1-based): chr15:73,597,058, A>T on the plus strand (T>A on the coding strand, the complement: NPTN is on the minus strand). VCF-style: chr15-73597058-A-T. GRCh37 (hg19) VCF-style: chr15-73889399-A-T.
Other names: c.403T>A, p.Trp135Arg (NM_001161363.2); c.92-4921T>A (NM_001161364.2, NM_017455.4); short protein forms W135R.
Identifiers: ClinVar variation 3778804 (VCV003778804.1).